The following is an entry in ClinVar:

NM_000414.4(HSD17B4):c.351T>A (p.Asp117Glu)

Gene: HSD17B4 (hydroxysteroid 17-beta dehydrogenase 4; plus strand). Cytogenetic location: 5q23.1.
Variant type: single nucleotide variant.
Coding change: c.351T>A on transcript NM_000414.4 (MANE Select); coding-DNA position 351, T replaced by A.
Protein change: p.Asp117Glu; replaces aspartic acid 117 with glutamic acid.
Molecular consequence: missense variant. On other transcripts: 5 prime UTR variant (5), non-coding transcript variant (2).
Genome position (GRCh38, 1-based): chr5:119,477,418, T>A. VCF-style: chr5-119477418-T-A. GRCh37 (hg19) VCF-style: chr5-118813113-T-A.
Other names: c.351T>A (NM_000414.3); c.426T>A, p.Asp142Glu (NM_001199291.3); c.297T>A, p.Asp99Glu (NM_001199292.2); c.279T>A, p.Asp93Glu (NM_001292027.2); c.-61T>A (NM_001292028.2, NM_001374501.1, NM_001374502.1 and 1 more transcripts); c.351T>A, p.Asp117Glu (NM_001374497.1, NM_001374498.1); c.24T>A, p.Asp8Glu (NM_001374499.1); c.-188T>A (NM_001374500.1); short protein forms D142E, D93E, D117E, D99E, D8E.
Identifiers: ClinVar variation 1444176 (VCV001444176.7), dbSNP rs200667890, ClinGen allele CA3381808.

ClinVar aggregate classification (germline): Uncertain significance. Review status: criteria provided, multiple submitters, no conflicts (2 of 4 stars). 3 submissions from 3 submitters: Uncertain significance (3). Last evaluated 2024-12-10.

Conditions:
Perrault syndrome. Also called: Gonadal dysgenesis with auditory dysfunction, autosomal recessive inheritance. Identifiers: Orphanet 2855, MedGen C0685838, MONDO:0017312.
Bifunctional peroxisomal enzyme deficiency (DBIF). Also called: D-bifunctional protein deficiency; DBP DEFICIENCY; PBFE DEFICIENCY. Identifiers: Orphanet 300, MedGen C0342870, MONDO:0009855, OMIM 261515. Disease mechanism: loss of function.

Allele frequency attached by ClinVar (database versions not stated): gnomAD 0.00002; TOPMed 0.00002; ESP Exome Variant Server 0.00008.
gnomAD v4.1: 46 of 1,598,230 alleles (0.0029%); highest among the groups gnomAD compares: Non-Finnish European, 0.0013%; no homozygotes.

Submissions (3):

GeneDx
Classification: Uncertain significance. Last evaluated: 2024-12-10. Review status: criteria provided, single submitter. Criteria: GeneDx Variant Classification Process June 2021. Collection method: clinical testing. Allele origin: germline. Affected: yes.
Comment: In silico analysis supports that this missense variant has a deleterious effect on protein structure/function; Has not been previously published as pathogenic or benign to our knowledge

Blueprint Genetics
Classification: Uncertain significance. Last evaluated: 2023-10-10. Review status: criteria provided, single submitter. Criteria: ACMG Guidelines, 2015. Collection method: clinical testing. Allele origin: germline.

Labcorp Genetics (formerly Invitae), Labcorp
Classification: Uncertain significance for Perrault syndrome; Bifunctional peroxisomal enzyme deficiency. Last evaluated: 2021-08-31. Review status: criteria provided, single submitter. Criteria: Invitae Variant Classification Sherloc (09022015). Collection method: clinical testing. Allele origin: germline.
Comment: This sequence change replaces aspartic acid with glutamic acid at codon 117 of the HSD17B4 protein (p.Asp117Glu). The aspartic acid residue is highly conserved and there is a small physicochemical difference between aspartic acid and glutamic acid. This variant is present in population databases (rs200667890, ExAC 0.1%). This variant has not been reported in the literature in individuals affected with HSD17B4-related conditions. Algorithms developed to predict the effect of missense changes on protein structure and function are either unavailable or do not agree on the potential impact of this missense change (SIFT: "Deleterious"; PolyPhen-2: "Benign"; Align-GVGD: "Class C0"). In summary, the available evidence is currently insufficient to determine the role of this variant in disease. Therefore, it has been classified as a Variant of Uncertain Significance.